The following is an entry in ClinVar:

ClinVar aggregate classification (germline): Likely benign (1 of 4 stars; one submission).

Conditions:
LAMA5-related disorder. Also called: LAMA5-related condition; LAMA5-Related Disorders.

gnomAD v4.1: 61 of 1,544,930 alleles (0.0039%); highest among the groups gnomAD compares: African/African-American, 0.022%; no homozygotes.

Submission:

PreventionGenetics, part of Exact Sciences
Classification: Likely benign for LAMA5-related condition. Last evaluated: 2024-12-02. Review status: criteria provided, single submitter. Criteria: ACMG Guidelines, 2015. Collection method: clinical testing. Allele origin: germline.
Comment: This variant is classified as likely benign based on ACMG/AMP sequence variant interpretation guidelines (Richards et al. 2015 PMID: 25741868, with internal and published modifications).

NM_005560.6(LAMA5):c.8805C>T (p.Thr2935=)

Gene: LAMA5 (laminin subunit alpha 5; minus strand). Cytogenetic location: 20q13.33.
Variant type: single nucleotide variant.
Coding change: c.8805C>T on transcript NM_005560.6 (MANE Select); coding-DNA position 8805, C replaced by T.
Protein change: p.Thr2935=; no amino-acid change (threonine 2935 retained).
Molecular consequence: synonymous variant.
Genome position (GRCh38, 1-based): chr20:62,313,238, G>A on the plus strand (C>T on the coding strand, the complement: LAMA5 is on the minus strand). VCF-style: chr20-62313238-G-A. GRCh37 (hg19) VCF-style: chr20-60888294-G-A.
Identifiers: ClinVar variation 4977397 (VCV004977397.1).